The following is an entry in ClinVar:

ClinVar aggregate classification (germline): Uncertain significance (1 of 4 stars; one submission).

gnomAD v4.1: 1 of 1,210,611 alleles (0.000083%); highest among the groups gnomAD compares: Non-Finnish European, 0.00011%; no homozygotes.

Submission:

Labcorp Genetics (formerly Invitae), Labcorp
Classification: Uncertain significance. Last evaluated: 2024-07-22. Review status: criteria provided, single submitter. Criteria: Invitae Variant Classification Sherloc (09022015). Collection method: clinical testing. Allele origin: germline.
Comment: This sequence change replaces serine, which is neutral and polar, with threonine, which is neutral and polar, at codon 440 of the TLR7 protein (p.Ser440Thr). This variant is present in population databases (no rsID available, gnomAD 0.001%). This variant has not been reported in the literature in individuals affected with TLR7-related conditions. An algorithm developed to predict the effect of missense changes on protein structure and function outputs the following: PolyPhen-2: "Benign". The threonine amino acid residue is found in multiple mammalian species, which suggests that this missense change does not adversely affect protein function. In summary, the available evidence is currently insufficient to determine the role of this variant in disease. Therefore, it has been classified as a Variant of Uncertain Significance.

NM_016562.4(TLR7):c.1319G>C (p.Ser440Thr)

Gene: TLR7 (toll like receptor 7; plus strand). Cytogenetic location: Xp22.2.
Variant type: single nucleotide variant.
Coding change: c.1319G>C on transcript NM_016562.4 (MANE Select); coding-DNA position 1319, G replaced by C.
Protein change: p.Ser440Thr; replaces serine 440 with threonine.
Molecular consequence: missense variant.
Genome position (GRCh38, 1-based): chrX:12,886,827, G>C. VCF-style: chrX-12886827-G-C. GRCh37 (hg19) VCF-style: chrX-12904946-G-C.
Other names: short protein forms S440T.
Identifiers: ClinVar variation 3689605 (VCV003689605.2).
Genomic context (GRCh38, chrX:12,886,827, plus strand): 5'-TTAAAAGACTGAAAGTCATAGATCTTTCAGTGAATAAAATATCACCTTCAGGAGATTCAA[G>C]TGAAGTTGGCTTCTGCTCAAATGCCAGAACTTCTGTAGAAAGTTATGAACCCCAGGTCCT-3'
Protein context (NP_057646.1, residues 430-450): VNKISPSGDS[Ser440Thr]EVGFCSNART